The following is an entry in ClinVar:

ClinVar aggregate classification (germline): Uncertain significance (1 of 4 stars; one submission).

Conditions:
Succinate-semialdehyde dehydrogenase deficiency (SSADHD). Also called: 4-HYDROXYBUTYRIC ACIDURIA; GABA METABOLIC DEFECT; SSADH DEFICIENCY; Succinic Semialdehyde Dehydrogenase Deficiency. Identifiers: Orphanet 22, MedGen C0268631, MONDO:0010083, OMIM 271980.

gnomAD v4.1: 6 of 1,507,460 alleles (0.0004%); highest among the groups gnomAD compares: Non-Finnish European, 0.00053%; no homozygotes.

Submission:

Labcorp Genetics (formerly Invitae), Labcorp
Classification: Uncertain significance for Succinate-semialdehyde dehydrogenase deficiency. Last evaluated: 2021-09-01. Review status: criteria provided, single submitter. Criteria: Invitae Variant Classification Sherloc (09022015). Collection method: clinical testing. Allele origin: germline.
Comment: This sequence change replaces leucine with valine at codon 70 of the ALDH5A1 protein (p.Leu70Val). The leucine residue is weakly conserved and there is a small physicochemical difference between leucine and valine. The frequency data for this variant in the population databases is considered unreliable, as metrics indicate insufficient coverage at this position in the ExAC database. This variant has not been reported in the literature in individuals affected with ALDH5A1-related conditions. Advanced modeling of protein sequence and biophysical properties (such as structural, functional, and spatial information, amino acid conservation, physicochemical variation, residue mobility, and thermodynamic stability) performed at Invitae indicates that this missense variant is not expected to disrupt ALDH5A1 protein function. In summary, the available evidence is currently insufficient to determine the role of this variant in disease. Therefore, it has been classified as a Variant of Uncertain Significance.

NM_001080.3(ALDH5A1):c.208C>G (p.Leu70Val)

Genes: ALDH5A1 (aldehyde dehydrogenase 5 family member A1; plus strand), GPLD1 (glycosylphosphatidylinositol specific phospholipase D1; minus strand), LOC129995978 (ATAC-STARR-seq lymphoblastoid silent region 16989; plus strand). Cytogenetic location: 6p22.3.
Variant type: single nucleotide variant.
Coding change: c.208C>G on transcript NM_001080.3 (MANE Select); coding-DNA position 208, C replaced by G.
Protein change: p.Leu70Val; replaces leucine 70 with valine.
Molecular consequence: missense variant.
Genome position (GRCh38, 1-based): chr6:24,495,204, C>G. VCF-style: chr6-24495204-C-G. GRCh37 (hg19) VCF-style: chr6-24495432-C-G.
Other names: c.208C>G, p.Leu70Val (NM_001368954.1, NM_170740.1); short protein forms L70V.
Identifiers: ClinVar variation 1432066 (VCV001432066.5), dbSNP rs886061268, ClinGen allele CA362968443.